The following is an entry in ClinVar:

NM_003024.3(ITSN1):c.1834G>A (p.Glu612Lys)

Gene: ITSN1 (intersectin 1; plus strand). Cytogenetic location: 21q22.11.
Variant type: single nucleotide variant.
Coding change: c.1834G>A on transcript NM_003024.3 (MANE Select); coding-DNA position 1834, G replaced by A.
Protein change: p.Glu612Lys; replaces glutamic acid 612 with lysine.
Molecular consequence: missense variant.
Genome position (GRCh38, 1-based): chr21:33,794,350, G>A. VCF-style: chr21-33794350-G-A. GRCh37 (hg19) VCF-style: chr21-35166654-G-A.
Other names: c.1834G>A, p.Glu612Lys (NM_001001132.2, NM_001331008.2, NM_001331009.2 and 2 more transcripts); c.1723G>A, p.Glu575Lys (NM_001331012.2); short protein forms E575K, E612K.
Identifiers: ClinVar variation 3897103 (VCV003897103.1).
Genomic context (GRCh38, chr21:33,794,350, plus strand): 5'-ATGTACCTGTCACTCATGTCGCTACATGAACTGTTTCTCGGTTAATTATAGGAACTAAGA[G>A]AAATACACAATAAGCAACAACTCCAGAAGCAAAAGTCCATGGAGGCTGAACGACTGAAAC-3'
Protein context (NP_003015.2, residues 602-622): IFNNQLKELR[Glu612Lys]IHNKQQLQKQ

ClinVar aggregate classification (germline): Uncertain significance (1 of 4 stars; one submission).

Submission:

GeneDx
Classification: Uncertain significance. Last evaluated: 2024-11-04. Review status: criteria provided, single submitter. Criteria: GeneDx Variant Classification Process June 2021. Collection method: clinical testing. Allele origin: germline. Affected: yes.
Comment: Not observed at significant frequency in large population cohorts (gnomAD); In silico analysis supports that this missense variant has a deleterious effect on protein structure/function; Has not been previously published as pathogenic or benign to our knowledge